The following is an entry in ClinVar:

NM_004813.4(PEX16):c.360-8C>T

Gene: PEX16 (peroxisomal biogenesis factor 16; minus strand). Cytogenetic location: 11p11.2.
Variant type: single nucleotide variant.
Coding change: c.360-8C>T on transcript NM_004813.4 (MANE Select); 8 bases into the intron before coding-DNA position 360, C replaced by T.
Molecular consequence: intron variant.
Genome position (GRCh38, 1-based): chr11:45,915,576, G>A on the plus strand (C>T on the coding strand, the complement: PEX16 is on the minus strand). VCF-style: chr11-45915576-G-A. GRCh37 (hg19) VCF-style: chr11-45937127-G-A.
Other names: c.360-8C>T (NM_057174.3, NM_004813.2).
Identifiers: ClinVar variation 1540780 (VCV001540780.11), dbSNP rs1285530111, ClinGen allele CA599370940.

ClinVar aggregate classification (germline): Likely benign. Review status: criteria provided, multiple submitters, no conflicts (2 of 4 stars). 3 submissions from 3 submitters: Likely benign (2). 1 of the submissions does not count toward it. Last evaluated 2023-08-03.

Conditions:
Peroxisome biogenesis disorder. Identifiers: Orphanet 79189, MedGen C1832200, MONDO:0019234. Disease mechanism: loss of function.
PEX16-related disorder. Also called: PEX16-related condition.

Allele frequency attached by ClinVar (database versions not stated): gnomAD exomes 0.00001; TOPMed 0.00001.

Submissions (3):

Labcorp Genetics (formerly Invitae), Labcorp
Classification: Likely benign for Peroxisome biogenesis disorder. Last evaluated: 2023-08-03. Review status: criteria provided, single submitter. Criteria: Invitae Variant Classification Sherloc (09022015). Collection method: clinical testing. Allele origin: germline.

Blueprint Genetics
Classification: Likely benign. Last evaluated: 2023-04-25. Review status: criteria provided, single submitter. Criteria: ACMG Guidelines, 2015. Collection method: clinical testing. Allele origin: germline.

PreventionGenetics, part of Exact Sciences
Classification: Likely benign for PEX16-related condition. Last evaluated: 2024-01-10. Review status: no assertion criteria provided. Collection method: clinical testing. Allele origin: germline. Not counted in ClinVar's aggregate classification.
Comment: This variant is classified as likely benign based on ACMG/AMP sequence variant interpretation guidelines (Richards et al. 2015 PMID: 25741868, with internal and published modifications).